The following is an entry in ClinVar:

NM_000260.4(MYO7A):c.2819C>A (p.Ser940Ter)

Gene: MYO7A (myosin VIIA; plus strand). Cytogenetic location: 11q13.5.
Variant type: single nucleotide variant.
Coding change: c.2819C>A on transcript NM_000260.4 (MANE Select); coding-DNA position 2819, C replaced by A.
Protein change: p.Ser940Ter; replaces serine 940 with a stop codon.
Molecular consequence: nonsense.
Genome position (GRCh38, 1-based): chr11:77,181,504, C>A. VCF-style: chr11-77181504-C-A. GRCh37 (hg19) VCF-style: chr11-76892550-C-A.
Other names: c.2819C>A, p.Ser940Ter (NM_001127180.2); c.2786C>A, p.Ser929Ter (NM_001369365.1); short protein forms S929*, S940*.
Identifiers: ClinVar variation 984295 (VCV000984295.3), dbSNP rs1955180601, ClinGen allele CA381943024.

ClinVar aggregate classification (germline): Likely pathogenic (1 of 4 stars; one submission).

Conditions:
Usher syndrome type 1 (USH1). Also called: RETINITIS PIGMENTOSA AND CONGENITAL DEAFNESS. Identifiers: Orphanet 231169, Orphanet 886, MedGen C1568247, MONDO:0010168, OMIM 276900.

Submission:

Myriad Genetics, Inc.
Classification: Likely pathogenic for Usher syndrome type 1. Last evaluated: 2019-06-24. Review status: criteria provided, single submitter. Criteria: Myriad Women's Health Autosomal Recessive and X-Linked Classification Criteria (2019). Collection method: clinical testing. Allele origin: unknown.
Comment: NM_000260.3(MYO7A):c.2819C>A(S940*) is expected to be pathogenic in the context of MYO7A-related disorders. This variant is predicted to lead to an abnormal or absent protein product due to the creation of a premature termination codon in MYO7A, a gene where loss-of-function variants are known to be pathogenic. Please note: this variant was assessed in the context of healthy population screening.